The following is an entry in ClinVar:

ClinVar aggregate classification (germline): Uncertain significance. Review status: criteria provided, multiple submitters, no conflicts (2 of 4 stars). 6 submissions from 6 submitters: Uncertain significance (5). 1 of the submissions does not count toward it. Last evaluated 2025-10-27.

Conditions:
Hereditary cancer-predisposing syndrome. Also called: Neoplastic Syndromes, Hereditary; Hereditary Cancer Syndrome; Hereditary neoplastic syndrome; Tumor predisposition. Identifiers: Orphanet 140162, MedGen C0027672, MeSH D009386, MONDO:0015356.
Hereditary breast ovarian cancer syndrome. Also called: Hereditary breast and ovarian cancer syndrome; Hereditary breast and/or ovarian cancer syndrome; BRCA1- and BRCA2-Associated Hereditary Breast and Ovarian Cancer; Hereditary breast and ovarian cancer; Breast and ovarian cancer; Hereditary breast and ovarian cancer syndrome (HBOC). Identifiers: Orphanet 145, MedGen C0677776, MeSH D061325, MONDO:0003582. Disease mechanism: loss of function.
Familial cancer of breast. Also called: Hereditary breast cancer; hereditary breast carcinoma; BREAST CANCER, FAMILIAL. Identifiers: Orphanet 227535, MedGen C0346153, MONDO:0016419, OMIM 114480. Disease mechanism: loss of function.
Ataxia-telangiectasia syndrome (AT). Also called: Cerebello-oculocutaneous telangiectasia; Immunodeficiency with ataxia telangiectasia; Ataxia-telangiectasia, complementation group D; AT, COMPLEMENTATION GROUP C; ATAXIA-TELANGIECTASIA, FRESNO VARIANT; ATAXIA-TELANGIECTASIA, COMPLEMENTATION GROUP A. Identifiers: Orphanet 100, MedGen C0004135, MONDO:0008840, OMIM 208900.

Allele frequency attached by ClinVar (database versions not stated): gnomAD exomes 0.00001.
gnomAD v4.1: 3 of 1,611,422 alleles (0.00019%); highest among the groups gnomAD compares: East Asian, 0.0067%; no homozygotes.

Submissions (6):

Labcorp Genetics (formerly Invitae), Labcorp
Classification: Uncertain significance for Ataxia-telangiectasia syndrome. Last evaluated: 2025-10-27. Review status: criteria provided, single submitter. Criteria: Invitae Variant Classification Sherloc (09022015). Collection method: clinical testing. Allele origin: germline.
Comment: This sequence change replaces valine, which is neutral and non-polar, with methionine, which is neutral and non-polar, at codon 1260 of the ATM protein (p.Val1260Met). This variant is not present in population databases (gnomAD no frequency). This missense change has been observed in individual(s) with breast cancer (PMID: 30287823). ClinVar contains an entry for this variant (Variation ID: 141822). Invitae Evidence Modeling of protein sequence and biophysical properties (such as structural, functional, and spatial information, amino acid conservation, physicochemical variation, residue mobility, and thermodynamic stability) indicates that this missense variant is not expected to disrupt ATM protein function with a negative predictive value of 95%. In summary, the available evidence is currently insufficient to determine the role of this variant in disease. Therefore, it has been classified as a Variant of Uncertain Significance.

Baylor Genetics
Classification: Uncertain significance for Familial cancer of breast. Last evaluated: 2024-01-24. Review status: criteria provided, single submitter. Criteria: ACMG Guidelines, 2015. Collection method: clinical testing. Allele origin: unknown.

Ambry Genetics
Classification: Uncertain significance for Hereditary cancer-predisposing syndrome. Last evaluated: 2023-09-26. Review status: criteria provided, single submitter. Criteria: Ambry Variant Classification Scheme 2023. Collection method: clinical testing. Allele origin: germline.
Comment: The p.V1260M variant (also known as c.3778G>A), located in coding exon 25 of the ATM gene, results from a G to A substitution at nucleotide position 3778. The valine at codon 1260 is replaced by methionine, an amino acid with highly similar properties. This alteration was identified in 1/278 individuals from a cohort BRCA1/2-negative individuals with early-onset breast cancer via multiplex panel testing of 22 cancer susceptibility genes (Maxwell KN et al. Genet Med, 2015 Aug;17:630-8). This amino acid position is highly conserved in available vertebrate species. In addition, the in silico prediction for this alteration is inconclusive. Since supporting evidence is limited at this time, the clinical significance of this alteration remains unclear.

Genetic Services Laboratory, University of Chicago
Classification: Uncertain significance. Last evaluated: 2019-12-31. Review status: criteria provided, single submitter. Criteria: ACMG Guidelines, 2015. Collection method: clinical testing. Allele origin: germline. Affected: no.
Comment: DNA sequence analysis of the ATM gene demonstrated a sequence change, c.3778G>A, in exon 26 that results in an amino acid change, p.Val1260Met. This sequence change has also not been described in population databases (gnomAD, ExAC). The p.Val1260Met change has been described in an individual with breast cancer (PMID: 30287823). The p.Val1260Met change affects a highly conserved amino acid residue located in a domain of the ATM protein that is not known to be functional. In-silico pathogenicity prediction tools (SIFT, PolyPhen2, Align GVGD, REVEL) provide contradictory results for the p.Val1260Met substitution. Due to these contrasting evidences and the lack of functional studies, the clinical significance of the p.Val1260Met change remains unknown at this time.

Cancer Genomics Group, Japanese Foundation For Cancer Research
Classification: Uncertain significance for Hereditary breast and ovarian cancer syndrome. Last evaluated: 2019-05-01. Review status: criteria provided, single submitter. Criteria: ACMG Guidelines, 2015. Collection method: research. Allele origin: germline. Affected: yes.

Natera, Inc.
Classification: Uncertain significance for Ataxia-telangiectasia. Last evaluated: 2020-09-16. Review status: no assertion criteria provided. Collection method: clinical testing. Allele origin: germline. Not counted in ClinVar's aggregate classification.

Literature cited by the submitters: PubMed 30287823 (cited by Labcorp Genetics (formerly Invitae), Labcorp); PubMed 25503501 (cited by Ambry Genetics).

NM_000051.4(ATM):c.3778G>A (p.Val1260Met)

Gene: ATM (ATM serine/threonine kinase; plus strand). Cytogenetic location: 11q22.3.
Variant type: single nucleotide variant.
Coding change: c.3778G>A on transcript NM_000051.4 (MANE Select); coding-DNA position 3778, G replaced by A.
Protein change: p.Val1260Met; replaces valine 1260 with methionine.
Molecular consequence: missense variant.
Genome position (GRCh38, 1-based): chr11:108,284,258, G>A. VCF-style: chr11-108284258-G-A. GRCh37 (hg19) VCF-style: chr11-108154985-G-A.
Other names: c.3778G>A, p.Val1260Met (NM_001351834.2); short protein forms V1260M.
Identifiers: ClinVar variation 141822 (VCV000141822.22), dbSNP rs587782035, ClinGen allele CA166531.